The following is an entry in ClinVar:

ClinVar aggregate classification (germline): Uncertain significance (1 of 4 stars; one submission).

Conditions:
Baller-Gerold syndrome (BGS). Also called: CRANIOSYNOSTOSIS WITH RADIAL DEFECTS. Identifiers: Orphanet 1225, MedGen C0265308, MONDO:0009039, OMIM 218600.

Submission:

Labcorp Genetics (formerly Invitae), Labcorp
Classification: Uncertain significance for Baller-Gerold syndrome. Last evaluated: 2017-02-21. Review status: criteria provided, single submitter. Criteria: Invitae Variant Classification Sherloc (09022015). Collection method: clinical testing. Allele origin: germline.
Comment: This sequence change replaces aspartic acid with asparagine at codon 988 of the RECQL4 protein (p.Asp988Asn). The aspartic acid residue is moderately conserved and there is a small physicochemical difference between aspartic acid and asparagine. This variant is not present in population databases (ExAC no frequency) and has not been reported in the literature in individuals with a RECQL4-related disease. Algorithms developed to predict the effect of missense changes on protein structure and function output the following: (SIFT: "Tolerated"; PolyPhen-2: "Benign"; Align-GVGD: "Class C0"). The asparagine amino acid residue is found in multiple mammalian species, suggesting that this missense change does not adversely affect protein function. These predictions have not been confirmed by published functional studies. In summary, this variant is a novel missense change that is not predicted to affect protein function. There is no indication that it causes disease, but the available evidence is currently insufficient to prove that conclusively. Therefore, it has been classified as a Variant of Uncertain Significance.

NM_004260.4(RECQL4):c.2962G>A (p.Asp988Asn)

Gene: RECQL4 (RecQ like helicase 4; minus strand). Cytogenetic location: 8q24.3.
Variant type: single nucleotide variant.
Coding change: c.2962G>A on transcript NM_004260.4 (MANE Select); coding-DNA position 2962, G replaced by A.
Protein change: p.Asp988Asn; replaces aspartic acid 988 with asparagine.
Molecular consequence: missense variant.
Genome position (GRCh38, 1-based): chr8:144,512,485, C>T on the plus strand (G>A on the coding strand, the complement: RECQL4 is on the minus strand). VCF-style: chr8-144512485-C-T. GRCh37 (hg19) VCF-style: chr8-145737868-C-T.
Other names: short protein forms D988N.
Identifiers: ClinVar variation 459446 (VCV000459446.3), dbSNP rs1554896950, ClinGen allele CA372673140.
Genomic context (GRCh38, chr8:144,512,485, plus strand): 5'-AGAGAGCCCGCCGCACAGAGGCCAGCTCCCAGCCCATGGAGTCCACCAGCTTGACCATGT[C>T]AAACTCCACGGAGCTGCTGCCTTGCCCTGGGTCCTCAGGCAGCTGCTGGGCCAAGCACAC-3'
Protein context (NP_004251.4, residues 978-998): PGQGSSSVEF[Asp988Asn]MVKLVDSMGW